The following is an entry in ClinVar:

ClinVar aggregate classification (germline): Uncertain significance (1 of 4 stars; one submission).

Submission:

Mayo Clinic Laboratories, Mayo Clinic
Classification: Uncertain significance. Last evaluated: 2024-11-19. Review status: criteria provided, single submitter. Criteria: ACMG Guidelines, 2015. Collection method: clinical testing. Allele origin: germline. Observed: 1 variant allele.
Comment: PM2_supporting

NM_213720.3(CHCHD10):c.163G>C (p.Val55Leu)

Gene: CHCHD10 (coiled-coil-helix-coiled-coil-helix domain containing 10; minus strand). Cytogenetic location: 22q11.23.
Variant type: single nucleotide variant.
Coding change: c.163G>C on transcript NM_213720.3 (MANE Select); coding-DNA position 163, G replaced by C.
Protein change: p.Val55Leu; replaces valine 55 with leucine.
Molecular consequence: missense variant. On other transcripts: non-coding transcript variant (1).
Genome position (GRCh38, 1-based): chr22:23,767,472, C>G on the plus strand (G>C on the coding strand, the complement: CHCHD10 is on the minus strand). VCF-style: chr22-23767472-C-G. GRCh37 (hg19) VCF-style: chr22-24109659-C-G.
Other names: p.Val55Leu; c.163G>C, p.Val55Leu (NM_001301339.2); short protein forms V55L.
Identifiers: ClinVar variation 4542433 (VCV004542433.1).